The following is an entry in ClinVar:

ClinVar aggregate classification (germline): Benign/Likely benign. Review status: criteria provided, multiple submitters, no conflicts (2 of 4 stars). 6 submissions from 6 submitters: Benign (1); Likely benign (4). 1 of the submissions does not count toward it. Last evaluated 2026-01-15.

Conditions:
Congenital myasthenic syndrome 8. Also called: MYASTHENIC SYNDROME, CONGENITAL, DUE TO AGRIN DEFICIENCY; Myasthenic syndrome, congenital, 8, with pre- and postsynaptic defects. Identifiers: Orphanet 590, MedGen C3808739, MONDO:0014052, OMIM 615120.
AGRN-related disorder. Also called: AGRN-related condition.

Allele frequency attached by ClinVar (database versions not stated): gnomAD exomes 0.00014; ExAC 0.00023; 1000 Genomes Project 30x 0.00031; 1000 Genomes Project 0.00040; TOPMed 0.00067; gnomAD 0.00069 and 0.00074; ESP Exome Variant Server 0.00108.
gnomAD v4.1: 186 of 1,613,666 alleles (0.012%); highest among the groups gnomAD compares: African/African-American, 0.21%; no homozygotes.

Submissions (6):

Labcorp Genetics (formerly Invitae), Labcorp
Classification: Likely benign for Congenital myasthenic syndrome 8. Last evaluated: 2026-01-15. Review status: criteria provided, single submitter. Criteria: Invitae Variant Classification Sherloc (09022015). Collection method: clinical testing. Allele origin: germline.

Athena Diagnostics
Classification: Benign. Last evaluated: 2025-06-02. Review status: criteria provided, single submitter. Criteria: Athena Diagnostics Criteria. Collection method: clinical testing. Allele origin: unknown.
Comment: The frequency of this variant in the general population is higher than would generally be expected for pathogenic variants in this gene. Computational tools yielded predictions that this variant is unlikely to have an effect on normal RNA splicing. This nucleotide position exhibits low evolutionary conservation.

Mayo Clinic Laboratories, Mayo Clinic
Classification: Likely benign. Last evaluated: 2025-04-02. Review status: criteria provided, single submitter. Criteria: ACMG Guidelines, 2015. Collection method: clinical testing. Allele origin: germline. Observed: 1 variant allele.
Comment: BP4, BP7

Blueprint Genetics
Classification: Likely benign. Last evaluated: 2024-09-20. Review status: criteria provided, single submitter. Criteria: ACMG Guidelines, 2015. Collection method: clinical testing. Allele origin: germline.

GeneDx
Classification: Likely benign. Last evaluated: 2016-11-10. Review status: criteria provided, single submitter. Criteria: GeneDx Variant Classification (06012015). Collection method: clinical testing. Allele origin: germline. Affected: yes.
Comment: This variant is considered likely benign or benign based on one or more of the following criteria: it is a conservative change, it occurs at a poorly conserved position in the protein, it is predicted to be benign by multiple in silico algorithms, and/or has population frequency not consistent with disease.

PreventionGenetics, part of Exact Sciences
Classification: Likely benign for AGRN-related condition. Last evaluated: 2019-05-08. Review status: no assertion criteria provided. Collection method: clinical testing. Allele origin: germline. Not counted in ClinVar's aggregate classification.
Comment: This variant is classified as likely benign based on ACMG/AMP sequence variant interpretation guidelines (Richards et al. 2015 PMID: 25741868, with internal and published modifications).

NM_198576.4(AGRN):c.5643G>A (p.Val1881=)

Gene: AGRN (agrin; plus strand). Cytogenetic location: 1p36.33.
Variant type: single nucleotide variant.
Coding change: c.5643G>A on transcript NM_198576.4 (MANE Select); coding-DNA position 5643, G replaced by A.
Protein change: p.Val1881=; no amino-acid change (valine 1881 retained).
Molecular consequence: synonymous variant.
Genome position (GRCh38, 1-based): chr1:1,051,807, G>A. VCF-style: chr1-1051807-G-A. GRCh37 (hg19) VCF-style: chr1-987187-G-A.
Other names: p.Val1881=; c.5655G>A, p.Val1885= (NM_001305275.2); c.5340G>A, p.Val1780= (NM_001364727.2); c.5643G>A (NM_198576.2).
Identifiers: ClinVar variation 390523 (VCV000390523.18), dbSNP rs142242736, ClinGen allele CA510118.